The following is an entry in ClinVar:

ClinVar aggregate classification (germline): Uncertain significance (1 of 4 stars; one submission).

Conditions:
Inborn genetic diseases. Identifiers: MedGen C0950123, MeSH D030342.

Submission:

Ambry Genetics
Classification: Uncertain significance for Inborn genetic diseases. Last evaluated: 2025-09-13. Review status: criteria provided, single submitter. Criteria: Ambry Variant Classification Scheme 2023. Collection method: clinical testing. Allele origin: germline.
Comment: The p.L859S variant (also known as c.2576T>C), located in coding exon 21 of the DNMT3A gene, results from a T to C substitution at nucleotide position 2576. The leucine at codon 859 is replaced by serine, an amino acid with dissimilar properties. This amino acid position is conserved. In addition, this alteration is predicted to be deleterious by in silico analysis. Based on the available evidence, the clinical significance of this variant remains unclear.

NM_022552.5(DNMT3A):c.2576T>C (p.Leu859Ser)

Gene: DNMT3A (DNA methyltransferase 3 alpha; minus strand). Cytogenetic location: 2p23.3.
Variant type: single nucleotide variant.
Coding change: c.2576T>C on transcript NM_022552.5 (MANE Select); coding-DNA position 2576, T replaced by C.
Protein change: p.Leu859Ser; replaces leucine 859 with serine.
Molecular consequence: missense variant. On other transcripts: non-coding transcript variant (1).
Genome position (GRCh38, 1-based): chr2:25,235,728, A>G on the plus strand (T>C on the coding strand, the complement: DNMT3A is on the minus strand). VCF-style: chr2-25235728-A-G. GRCh37 (hg19) VCF-style: chr2-25458597-A-G.
Other names: c.2120T>C, p.Leu707Ser (NM_001320893.1); c.1907T>C, p.Leu636Ser (NM_001375819.1); c.2009T>C, p.Leu670Ser (NM_153759.3); c.2576T>C, p.Leu859Ser (NM_175629.2); short protein forms L636S, L707S, L859S, L670S.
Identifiers: ClinVar variation 4243632 (VCV004243632.1).
Genomic context (GRCh38, chr2:25,235,728, plus strand): 5'-CAGCCACACCGCAGCCAGATGCCAGCACAACCCGGGTACCTTTCCATTTCAGTGCACCAT[A>G]AGATGTCCTCTTTCTCATTCATGAAGACAGGAAAATGCTGGTCTTTGCCCTGCTTTATGG-3'
Protein context (NP_072046.2, residues 849-869): PVFMNEKEDI[Leu859Ser]WCTEMERVFG